The following is an entry in ClinVar:

ClinVar aggregate classification (germline): Pathogenic (1 of 4 stars; one submission).

Conditions:
Epiphyseal dysplasia, multiple, 3 (EDM3). Also called: Epiphyseal dysplasia, multiple, 3, with or without myopathy; COL9A3-Related Multiple Epiphyseal Dysplasia. Identifiers: MedGen C1832998, MONDO:0010964, OMIM 600969.

Submission:

Women's Health and Genetics/Laboratory Corporation of America, LabCorp
Classification: Pathogenic for Epiphyseal Dysplasia, Multiple, 3. Last evaluated: 2025-04-21. Review status: criteria provided, single submitter. Criteria: LabCorp Variant Classification Summary - May 2015. Collection method: clinical testing. Allele origin: germline.
Comment: Variant summary: COL9A3 c.1740delinsCC (p.Gly581ArgfsX20) results in a premature termination codon, predicted to cause a truncation of the encoded protein or absence of the protein due to nonsense mediated decay, which are commonly known mechanisms for disease. The variant was absent in 1611428 control chromosomes. To our knowledge, no occurrence of c.1740delinsCC in individuals affected with Epiphyseal Dysplasia, Multiple, 3 and no experimental evidence demonstrating its impact on protein function have been reported. No submitters have cited clinical-significance assessments for this variant to ClinVar. Based on the evidence outlined above, the variant was classified as pathogenic.

NM_001853.4(COL9A3):c.1740delinsCC (p.Gly581fs)

Gene: COL9A3 (collagen type IX alpha 3 chain; plus strand). Cytogenetic location: 20q13.33.
Variant type: Indel.
Coding change: c.1740delinsCC on transcript NM_001853.4 (MANE Select); coding-DNA position 1740, T replaced by CC.
Protein change: p.Gly581fs; shifts the reading frame from glycine 581.
Molecular consequence: frameshift variant.
Genome position (GRCh38, 1-based): chr20:62,837,219, T replaced by CC. VCF-style: chr20-62837219-T-CC. GRCh37 (hg19) VCF-style: chr20-61468571-T-CC.
Other names: short protein forms G581fs.
Identifiers: ClinVar variation 3896138 (VCV003896138.2).